The following is an entry in ClinVar:

ClinVar aggregate classification (germline): Uncertain significance (1 of 4 stars; one submission).

Submission:

Women's Health and Genetics/Laboratory Corporation of America, LabCorp
Classification: Uncertain significance. Last evaluated: 2025-11-07. Review status: criteria provided, single submitter. Criteria: LabCorp Variant Classification Summary - May 2015. Collection method: clinical testing. Allele origin: germline.
Comment: Variant summary: GJB2 c.415A>G (p.Ser139Gly) results in a non-conservative amino acid change in the encoded protein sequence. Algorithms developed to predict the effect of missense changes on protein structure and function all suggest that this variant is likely to be disruptive. The variant was absent in 250946 control chromosomes. The available data on variant occurrences in the general population are insufficient to allow any conclusion about variant significance. To our knowledge, no occurrence of c.415A>G in individuals affected with GJB2-related conditions and no experimental evidence demonstrating its impact on protein function have been reported. At-least two different variants affecting the same codon have been classified as likely pathogenic/pathogenic by our lab (c.416G>A, p.Ser139Asn and c.415A>G, p.Ser139Cys), supporting the critical relevance of codon 139 to GJB2 protein function. No submitters have cited clinical-significance assessments for this variant to ClinVar. Based on the evidence outlined above, the variant was classified as VUS-possibly pathogenic.

NM_004004.6(GJB2):c.415A>G (p.Ser139Gly)

Gene: GJB2 (gap junction protein beta 2; minus strand). Cytogenetic location: 13q12.11.
Variant type: single nucleotide variant.
Coding change: c.415A>G on transcript NM_004004.6 (MANE Select); coding-DNA position 415, A replaced by G.
Protein change: p.Ser139Gly; replaces serine 139 with glycine.
Molecular consequence: missense variant.
Genome position (GRCh38, 1-based): chr13:20,189,167, T>C on the plus strand (A>G on the coding strand, the complement: GJB2 is on the minus strand). VCF-style: chr13-20189167-T-C. GRCh37 (hg19) VCF-style: chr13-20763306-T-C.
Other names: short protein forms S139G.
Identifiers: ClinVar variation 4536986 (VCV004536986.1).